The following is an entry in ClinVar:

NM_000256.3(MYBPC3):c.3330+2T>G

Gene: MYBPC3 (myosin binding protein C3; minus strand). Cytogenetic location: 11p11.2.
Variant type: single nucleotide variant.
Coding change: c.3330+2T>G on transcript NM_000256.3 (MANE Select); the canonical splice donor site of the intron after coding-DNA position 3330, T replaced by G.
Molecular consequence: splice donor variant.
Genome position (GRCh38, 1-based): chr11:47,333,192, A>C on the plus strand (T>G on the coding strand, the complement: MYBPC3 is on the minus strand). VCF-style: chr11-47333192-A-C. GRCh37 (hg19) VCF-style: chr11-47354743-A-C.
Other names: IVS30+2T>G; IVS30DS, T-G, +2.
Identifiers: ClinVar variation 8621 (VCV000008621.44), dbSNP rs387906397, ClinGen allele CA013951.

ClinVar aggregate classification (germline): Pathogenic/Likely pathogenic. Review status: criteria provided, multiple submitters, no conflicts (2 of 4 stars). 20 submissions from 19 submitters: Pathogenic (18); Likely pathogenic (1). 1 of the submissions does not count toward it. Last evaluated 2026-08-22.

Conditions:
Hypertrophic cardiomyopathy 4. Also called: Familial hypertrophic cardiomyopathy 4. Identifiers: MedGen C1861862, MONDO:0007268, OMIM 115197.
Primary dilated cardiomyopathy (DCM). Also called: Dilated Cardiomyopathy. Identifiers: Orphanet 217604, MedGen C0007193, MeSH D002311, MONDO:0005021, HP:0001644. Inheritance: Various modes of inheritance.
MYBPC3-related disorder. Also called: MYBPC3-related disorders; MYBPC3-related condition; MYBPC3-related disease.
Cardiovascular phenotype. Identifiers: MedGen CN230736.
Left ventricular noncompaction 10 (LVNC10). Identifiers: Orphanet 154, Orphanet 54260, MedGen C3715165, MONDO:0014163, OMIM 615396.
Cardiomyopathy (CMYO). Also called: Cardiomyopathies. Identifiers: Orphanet 167848, MedGen C0878544, MONDO:0004994, HP:0001638. Inheritance: Various modes of inheritance.
Primary familial hypertrophic cardiomyopathy (HCM). Identifiers: Orphanet 99739, MedGen C0949658, MeSH D024741, MONDO:0024573. Inheritance: Various modes of inheritance.
Hypertrophic cardiomyopathy. Also called: HYPERTROPHIC MYOCARDIOPATHY. Identifiers: Orphanet 217569, MedGen C0007194, MeSH D002312, MONDO:0005045, HP:0001639.

Allele frequency attached by ClinVar (database versions not stated): gnomAD exomes below 0.00001; gnomAD 0.00003 and 0.00004; TOPMed 0.00003.

Submissions 1 to 6 of 20:

PreventionGenetics, part of Exact Sciences
Classification: Pathogenic for MYBPC3-related condition. Last evaluated: 2026-08-22. Review status: criteria provided, single submitter. Criteria: ACMG Guidelines, 2015. Collection method: clinical testing. Allele origin: germline.
Comment: The MYBPC3 c.3330+2T>G variant is predicted to disrupt the GT donor site and interfere with normal splicing. This variant has been reported in the heterozygous state in individuals with hypertrophic cardiomyopathy or left ventricular noncompaction (reported as IVS31+2T>G in Morita et al. 2008. PubMed ID: 18403758; Miller et al. 2017. PubMed ID: 29212898). This variant was also documented in the homozygous state to be causative for severe neonatal hypertrophic cardiomyopathy and is particularly prevalent among individuals of Amish descent (Xin et al. 2007. PubMed ID: 17937428; Zahka et al. 2008. PubMed ID: 18467358). Functional studies showed that this variant results in the skipping of exon 30 and a frameshift and premature protein termination in exon 31 (Xin et al. 2007. PubMed ID: 17937428). This variant is reported in 0.0065% of alleles in individuals of European (Non-Finnish) descent in gnomAD. Variants that disrupt the consensus splice donor site in MYBPC3 are expected to be pathogenic. This variant is interpreted as pathogenic.

Labcorp Genetics (formerly Invitae), Labcorp
Classification: Pathogenic for Hypertrophic cardiomyopathy. Last evaluated: 2026-02-03. Review status: criteria provided, single submitter. Criteria: Invitae Variant Classification Sherloc (09022015). Collection method: clinical testing. Allele origin: germline.
Comment: This sequence change affects a donor splice site in intron 30 of the MYBPC3 gene. RNA analysis indicates that disruption of this splice site induces altered splicing and may result in an absent or altered protein product. This variant is present in population databases (rs387906397, gnomAD 0.007%). Disruption of this splice site has been observed in individual(s) with hypertrophic cardiomyopathy (PMID: 17937428, 18403758, 18467358, 21835286). ClinVar contains an entry for this variant (Variation ID: 8621). Studies have shown that disruption of this splice site results in skipping of exon 30, and produces a non-functional protein and/or introduces a premature termination codon (PMID: 17937428, 25031304). For these reasons, this variant has been classified as Pathogenic.

Ambry Genetics
Classification: Pathogenic for Cardiovascular phenotype. Last evaluated: 2025-06-24. Review status: criteria provided, single submitter. Criteria: Ambry Variant Classification Scheme 2023. Collection method: clinical testing. Allele origin: germline.
Comment: The c.3330+2T>G intronic alteration results from a T to G substitution two nucleotides after coding exon 30 of the MYBPC3 gene. Alterations that disrupt the canonical splice site are expected to cause aberrant splicing, resulting in an abnormal protein or a transcript that is subject to nonsense-mediated mRNA decay. Based on data from gnomAD, the G allele has an overall frequency of 0.003% (1/31314) total alleles studied. The highest observed frequency was 0.007% (1/15388) of European (non-Finnish) alleles. This alteration has been reported in a number of individuals in hypertrophic cardiomyopathy cohorts (Theis, 2009; Miller, 2013; Kapplinger, 2014; Walsh, 2017). This mutation has also been detected in the homozygous state in multiple Amish infants affected with severe neonatal hypertrophic cardiomyopathy (Xin, 2007; Zahka, 2008). This nucleotide position is highly conserved in available vertebrate species. RNA studies in patient lymphocytes indicate that this variant results in the skipping of exon 30, leading to a frame shift and premature protein truncation (Xin, 2007). In silico splice site analysis predicts that this alteration will weaken the native splice donor site and may result in the creation or strengthening of a novel splice donor site. Based on the available evidence, this alteration is classified as pathogenic.

Color Diagnostics, LLC DBA Color Health
Classification: Pathogenic for Cardiomyopathy. Last evaluated: 2025-06-09. Review status: criteria provided, single submitter. Criteria: ACMG Guidelines, 2015. Collection method: clinical testing. Allele origin: germline.
Comment: This variant causes a T to G nucleotide substitution at the +2 position of intron 30 of the MYBPC3 gene. Functional RNA studies have shown that this variant causes out-of-frame skipping of exon 30, resulting in premature protein truncation (PMID: 17937428, 18403758, 25031304). This variant has been reported in many individuals affected with hypertrophic cardiomyopathy and has been observed frequently in Amish communities (PMID: 17937428, 18403758, 18467358, 21835286, 25031304, 36162733). A clinical evaluation of 41 Amish adult carriers has shown that while 6 carriers had features of hypertrophic cardiomyopathy or left ventricular hypertrophy, remaining 35 carriers were asymptomatic, suggesting that this variant causes a mild disease in heterozygosity or shows reduced penetrance (PMID: 21835286). In more than ten homozygous children, this variant was associated with severe hypertrophic cardiomyopathy (PMID: 17937428, 18467358). This variant has been identified in 1/31314 chromosomes in the general population by the Genome Aggregation Database (gnomAD). Loss of MYBPC3 function is a known mechanism of disease. Based on available evidence, this variant is classified as Pathogenic.

Women's Health and Genetics/Laboratory Corporation of America, LabCorp
Classification: Pathogenic for Primary familial hypertrophic cardiomyopathy. Last evaluated: 2024-02-27. Review status: criteria provided, single submitter. Criteria: LabCorp Variant Classification Summary - May 2015. Collection method: clinical testing. Allele origin: germline.
Comment: Variant summary: MYBPC3 c.3330+2T>G is located in a canonical splice-site and is predicted to affect mRNA splicing resulting in a significantly altered protein due to either exon skipping, shortening, or inclusion of intronic material. Several computational tools predict a significant impact on normal splicing: Four predict the variant abolishes a 5' splicing donor site. At least one publication reports experimental evidence that this variant affects mRNA splicing (Xin_2007, Helms_2014). The variant was absent in 228534 control chromosomes. c.3330+2T>G has been reported in the literature in multiple individuals affected with Hypertrophic Cardiomyopathy (Xin_2007, Zahka_2008, Helms_2014). These data indicate that the variant is very likely to be associated with disease. At least one publication reports experimental evidence evaluating an impact on protein function demonstrating a reduction in protein expression (Helms_2014). The following publications have been ascertained in the context of this evaluation (PMID: 17937428, 18467358, 25031304, 25335496). ClinVar contains an entry for this variant (Variation ID: 8621). Based on the evidence outlined above, the variant was classified as pathogenic.

Clinical Genomics Laboratory, Washington University in St. Louis
Classification: Pathogenic for Hypertrophic cardiomyopathy 4. Last evaluated: 2023-10-02. Review status: criteria provided, single submitter. Criteria: ACMG Guidelines, 2015. Collection method: clinical testing. Allele origin: germline.
Comment: The MYBPC3 c.3330+2T>G variant, also reported as IVS31+2T>G, has been reported in the heterozygous state in many individuals with adult onset hypertrophic cardiomyopathy (HCM) and in the homozygous state in several individuals with severe neonatal onset HCM (Helms A et al., PMID: 25031304; Miller EM et al., PMID: 29212898; Morita H et al., PMID: 18403758, Xin B et al., PMID: 17937428; Zahka K et al., PMID: 18467358). One study showed that only 6 of 41 individuals heterozygous for this variant displayed features of HCM or left ventricular hypertrophy, implicating this variant may have a milder clinical presentation or reduced penetrance (De S et al., PMID: 21835286). This variant has been reported in the ClinVar database as a germline pathogenic variant by several submitters. This variant is only observed on one out of 31,314 alleles in the general population (gnomAD v.2.1.1), indicating it is not a common variant. This variant occurs within the canonical splice donor site, which is predicted to cause skipping of the exon, leading to an out of frame transcript. In support of this prediction, several functional studies show this variant causes skipping of exon 30 (also called exon 31 in some publications), leading to an out of frame transcript (Morita H et al., PMID: 18403758; Xin B et al., PMID: 17937428). Based on available information and the ACMG/AMP guidelines for variant interpretation (Richards S et al., PMID: 25741868), this variant is classified as pathogenic.